The following is an entry in ClinVar:

NM_000784.4(CYP27A1):c.152G>C (p.Arg51Pro)

Gene: CYP27A1 (cytochrome P450 family 27 subfamily A member 1; plus strand). Cytogenetic location: 2q35.
Variant type: single nucleotide variant.
Coding change: c.152G>C on transcript NM_000784.4 (MANE Select); coding-DNA position 152, G replaced by C.
Protein change: p.Arg51Pro; replaces arginine 51 with proline.
Molecular consequence: missense variant.
Genome position (GRCh38, 1-based): chr2:218,782,334, G>C. VCF-style: chr2-218782334-G-C. GRCh37 (hg19) VCF-style: chr2-219647057-G-C.
Other names: short protein forms R51P.
Identifiers: ClinVar variation 1470609 (VCV001470609.5), dbSNP rs1333445399, ClinGen allele CA350576229.
Genomic context (GRCh38, chr2:218,782,334, plus strand): 5'-TCCCTGCCGCCCTCCCCTCGGACAAGGCCACCGGAGCTCCCGGAGCCGGGCCTGGTGTCC[G>C]GCGGCGGCAACGGAGCTTAGAGGAGATTCCACGTCTAGGACAGCTGCGCTTCTTCTTTCA-3'
Protein context (NP_000775.1, residues 41-61): TGAPGAGPGV[Arg51Pro]RRQRSLEEIP

ClinVar aggregate classification (germline): Uncertain significance (1 of 4 stars; one submission).

Conditions:
Cholestanol storage disease (CTX). Also called: Cerebrotendinous Xanthomatosis; CEREBRAL CHOLESTERINOSIS; CTX: Cerebrotendinous xanthomatosis. Identifiers: Orphanet 909, MedGen C0238052, MONDO:0008948, OMIM 213700.

gnomAD v4.1: 2 of 1,613,492 alleles (0.00012%); highest among the groups gnomAD compares: Admixed American, 0.0017%; no homozygotes.

Submission:

Labcorp Genetics (formerly Invitae), Labcorp
Classification: Uncertain significance for Cholestanol storage disease. Last evaluated: 2022-07-06. Review status: criteria provided, single submitter. Criteria: Invitae Variant Classification Sherloc (09022015). Collection method: clinical testing. Allele origin: germline.
Comment: This sequence change replaces arginine, which is basic and polar, with proline, which is neutral and non-polar, at codon 51 of the CYP27A1 protein (p.Arg51Pro). This variant is present in population databases (no rsID available, gnomAD 0.003%). This variant has not been reported in the literature in individuals affected with CYP27A1-related conditions. ClinVar contains an entry for this variant (Variation ID: 1470609). Advanced modeling of protein sequence and biophysical properties (such as structural, functional, and spatial information, amino acid conservation, physicochemical variation, residue mobility, and thermodynamic stability) performed at Invitae indicates that this missense variant is not expected to disrupt CYP27A1 protein function. In summary, the available evidence is currently insufficient to determine the role of this variant in disease. Therefore, it has been classified as a Variant of Uncertain Significance.